The following is an entry in ClinVar:

NM_002900.3(RBP3):c.1519T>C (p.Phe507Leu)

Gene: RBP3 (retinol binding protein 3; plus strand). Cytogenetic location: 10q11.22.
Variant type: single nucleotide variant.
Coding change: c.1519T>C on transcript NM_002900.3 (MANE Select); coding-DNA position 1519, T replaced by C.
Protein change: p.Phe507Leu; replaces phenylalanine 507 with leucine.
Molecular consequence: missense variant.
Genome position (GRCh38, 1-based): chr10:47,350,003, T>C. VCF-style: chr10-47350003-T-C. GRCh37 (hg19) VCF-style: chr10-48389359-A-G.
Other names: c.1519T>C (NM_002900.2); short protein forms F507L.
Identifiers: ClinVar variation 1350317 (VCV001350317.7), dbSNP rs1342487279, ClinGen allele CA376670127.
Genomic context (GRCh38, chr10:47,350,003, plus strand): 5'-TCTGCTGTGCCCCTGCTCCTGTCCTACTTCCAGGGCCCTGAGGCCGGCCCCGTGCACCTC[T>C]TCACCACCTATGATCGCCGCACCAACATCACGCAGGAGCACTTCAGCCACATGGAGCTCC-3'
Protein context (NP_002891.1, residues 497-517): QGPEAGPVHL[Phe507Leu]TTYDRRTNIT

ClinVar aggregate classification (germline): Uncertain significance. Review status: criteria provided, multiple submitters, no conflicts (2 of 4 stars). 2 submissions from 2 submitters: Uncertain significance (2). Last evaluated 2025-01-24.

Conditions:
Inborn genetic diseases. Identifiers: MedGen C0950123, MeSH D030342.

Allele frequency attached by ClinVar (database versions not stated): gnomAD 0.00001; TOPMed 0.00005.
gnomAD v4.1: 2 of 1,612,916 alleles (0.00012%); highest among the groups gnomAD compares: African/African-American, 0.0013%; no homozygotes.

Submissions (2):

Ambry Genetics
Classification: Uncertain significance for Inborn genetic diseases. Last evaluated: 2025-01-24. Review status: criteria provided, single submitter. Criteria: Ambry Variant Classification Scheme 2023. Collection method: clinical testing. Allele origin: germline.

Labcorp Genetics (formerly Invitae), Labcorp
Classification: Uncertain significance. Last evaluated: 2022-06-13. Review status: criteria provided, single submitter. Criteria: Invitae Variant Classification Sherloc (09022015). Collection method: clinical testing. Allele origin: germline.
Comment: This variant is not present in population databases (gnomAD no frequency). This variant has not been reported in the literature in individuals affected with RBP3-related conditions. Algorithms developed to predict the effect of missense changes on protein structure and function are either unavailable or do not agree on the potential impact of this missense change (SIFT: "Deleterious"; PolyPhen-2: "Possibly Damaging"; Align-GVGD: "Class C0"). In summary, the available evidence is currently insufficient to determine the role of this variant in disease. Therefore, it has been classified as a Variant of Uncertain Significance. This sequence change replaces phenylalanine, which is neutral and non-polar, with leucine, which is neutral and non-polar, at codon 507 of the RBP3 protein (p.Phe507Leu).